The following is an entry in ClinVar:

NM_014362.4(HIBCH):c.810-4A>G

Gene: HIBCH (3-hydroxyisobutyryl-CoA hydrolase; minus strand). Cytogenetic location: 2q32.2.
Variant type: single nucleotide variant.
Coding change: c.810-4A>G on transcript NM_014362.4 (MANE Select); 4 bases into the intron before coding-DNA position 810, A replaced by G.
Molecular consequence: intron variant.
Genome position (GRCh38, 1-based): chr2:190,244,972, T>C on the plus strand (A>G on the coding strand, the complement: HIBCH is on the minus strand). VCF-style: chr2-190244972-T-C. GRCh37 (hg19) VCF-style: chr2-191109698-T-C.
Other names: c.810-4A>G (NM_198047.3).
Identifiers: ClinVar variation 1802984 (VCV001802984.23), dbSNP rs573302664, ClinGen allele CA2027468.

ClinVar aggregate classification (germline): Conflicting classifications of pathogenicity. Review status: criteria provided, conflicting classifications (1 of 4 stars). 2 submissions from 2 submitters: Uncertain significance (1); Likely benign (1). Last evaluated 2024-10-08.

Conditions:
3-hydroxyisobutyryl-CoA hydrolase deficiency. Also called: Reduced circulating 3-hydroxyisobutyryl-CoA hydrolase activity; Deficiency of 3-hydroxyisobutyryl CoA hydrolase; HIBCH DEFICIENCY; METHACRYLIC ACID TOXICITY; METHACRYLIC ACIDURIA; VALINE METABOLIC DEFECT. Identifiers: Orphanet 88639, MedGen C0342738, MONDO:0009603, OMIM 250620, HP:6000215.

Allele frequency attached by ClinVar (database versions not stated): gnomAD 0.00003; TOPMed 0.00003; ExAC 0.00008; 1000 Genomes Project 30x 0.00016; 1000 Genomes Project 0.00020.
gnomAD v4.1: 35 of 1,561,524 alleles (0.0022%); highest among the groups gnomAD compares: East Asian, 0.058%; no homozygotes.

Submissions (2):

Labcorp Genetics (formerly Invitae), Labcorp
Classification: Likely benign for 3-hydroxyisobutyryl-CoA hydrolase deficiency. Last evaluated: 2024-10-08. Review status: criteria provided, single submitter. Criteria: Invitae Variant Classification Sherloc (09022015). Collection method: clinical testing. Allele origin: germline.

Pediatric Department, Xiangya Hospital, Central South University
Classification: Uncertain significance. Review status: criteria provided, single submitter. Criteria: ACMG Guidelines, 2015. Collection method: clinical testing. Allele origin: maternal. Inheritance: Autosomal recessive inheritance. Affected: yes. Observed: 2 compound heterozygotes. Clinical features observed: Behavioral abnormality.
Comment: This variant was observed in compound heterozygosity with variant (c.1118A>G)